The following is an entry in ClinVar:

ClinVar aggregate classification (germline): Conflicting classifications of pathogenicity. Review status: criteria provided, conflicting classifications (1 of 4 stars). 2 submissions from 2 submitters: Uncertain significance (1); Likely benign (1). Last evaluated 2025-06-14.

Allele frequency attached by ClinVar (database versions not stated): TOPMed below 0.00001; ExAC 0.00001; gnomAD 0.00001.
gnomAD v4.1: 11 of 1,593,384 alleles (0.00069%); highest among the groups gnomAD compares: South Asian, 0.0011%; no homozygotes.

Submissions (2):

Labcorp Genetics (formerly Invitae), Labcorp
Classification: Uncertain significance. Last evaluated: 2025-06-14. Review status: criteria provided, single submitter. Criteria: Invitae Variant Classification Sherloc (09022015). Collection method: clinical testing. Allele origin: germline.
Comment: This sequence change replaces phenylalanine, which is neutral and non-polar, with leucine, which is neutral and non-polar, at codon 59 of the TRAP1 protein (p.Phe59Leu). This variant is present in population databases (rs767379047, gnomAD 0.004%). This variant has not been reported in the literature in individuals affected with TRAP1-related conditions. ClinVar contains an entry for this variant (Variation ID: 2231858). An algorithm developed to predict the effect of missense changes on protein structure and function outputs the following: PolyPhen-2: "Benign". The leucine amino acid residue is found in multiple mammalian species, which suggests that this missense change does not adversely affect protein function. In summary, the available evidence is currently insufficient to determine the role of this variant in disease. Therefore, it has been classified as a Variant of Uncertain Significance.

Ambry Genetics
Classification: Likely benign. Last evaluated: 2022-01-26. Review status: criteria provided, single submitter. Criteria: Ambry Variant Classification Scheme 2023. Collection method: clinical testing. Allele origin: germline.

NM_016292.3(TRAP1):c.177C>G (p.Phe59Leu)

Gene: TRAP1 (TNF receptor associated protein 1; minus strand). Cytogenetic location: 16p13.3.
Variant type: single nucleotide variant.
Coding change: c.177C>G on transcript NM_016292.3 (MANE Select); coding-DNA position 177, C replaced by G.
Protein change: p.Phe59Leu; replaces phenylalanine 59 with leucine.
Molecular consequence: missense variant. On other transcripts: intron variant (1).
Genome position (GRCh38, 1-based): chr16:3,690,897, G>C on the plus strand (C>G on the coding strand, the complement: TRAP1 is on the minus strand). VCF-style: chr16-3690897-G-C. GRCh37 (hg19) VCF-style: chr16-3740898-G-C.
Other names: c.89-1760C>G (NM_001272049.2); short protein forms F59L.
Identifiers: ClinVar variation 2231858 (VCV002231858.3), dbSNP rs767379047, ClinGen allele CA7868829.